The following is an entry in ClinVar:

ClinVar aggregate classification (germline): Uncertain significance (1 of 4 stars; one submission).

Conditions:
Nance-Horan syndrome (NHS). Identifiers: Orphanet 627, MedGen C0796085, MONDO:0010545, OMIM 302350.

Allele frequency attached by ClinVar (database versions not stated): gnomAD exomes below 0.00001.

Submission:

Labcorp Genetics (formerly Invitae), Labcorp
Classification: Uncertain significance for Nance-Horan syndrome. Last evaluated: 2022-08-30. Review status: criteria provided, single submitter. Criteria: Invitae Variant Classification Sherloc (09022015). Collection method: clinical testing. Allele origin: germline.
Comment: In summary, the available evidence is currently insufficient to determine the role of this variant in disease. Therefore, it has been classified as a Variant of Uncertain Significance. Algorithms developed to predict the effect of missense changes on protein structure and function (SIFT, PolyPhen-2, Align-GVGD) all suggest that this variant is likely to be disruptive. This variant has not been reported in the literature in individuals affected with NHS-related conditions. This variant is present in population databases (no rsID available, gnomAD 0.004%). This sequence change replaces serine, which is neutral and polar, with leucine, which is neutral and non-polar, at codon 382 of the NHS protein (p.Ser382Leu).

NM_001291867.2(NHS):c.1208C>T (p.Ser403Leu)

Gene: NHS (NHS actin remodeling regulator; plus strand). Cytogenetic location: Xp22.13.
Variant type: single nucleotide variant.
Coding change: c.1208C>T on transcript NM_001291867.2 (MANE Select); coding-DNA position 1208, C replaced by T.
Protein change: p.Ser403Leu; replaces serine 403 with leucine.
Molecular consequence: missense variant.
Genome position (GRCh38, 1-based): chrX:17,724,398, C>T. VCF-style: chrX-17724398-C-T. GRCh37 (hg19) VCF-style: chrX-17742518-C-T.
Other names: c.677C>T, p.Ser226Leu (NM_001136024.4); c.614C>T, p.Ser205Leu (NM_001291868.2); c.1145C>T, p.Ser382Leu (NM_198270.4); short protein forms S403L, S226L, S382L, S205L.
Identifiers: ClinVar variation 1958302 (VCV001958302.5), dbSNP rs1290856669, ClinGen allele CA412350157.